The following is an entry in ClinVar:

ClinVar aggregate classification (germline): Uncertain significance (1 of 4 stars; one submission).

Submission:

Clinical Genomics Laboratory, Laboratory for Precision Diagnostics, University of Washington
Classification: Uncertain significance. Last evaluated: 2021-05-14. Review status: criteria provided, single submitter. Criteria: ACMG/ClinGen CNV Guidelines, 2019. Collection method: clinical testing. Allele origin: unknown. Affected: yes. Observed: 1 variant allele.
Comment: The classification of this deletion is uncertain, per ACMGG interpretation standards (see References). It affects protein-coding elements (Section 1, 0 points) but doesn’t overlap any known dosage sensitive genes or regions (Section 2, 0 points). Nine protein-coding genes are affected by the deletion (Section 3, 0 points). A review of public databases (ClinVar, DECIPHER) and the medical literature shows several patients with similar deletion. Microarray showed no loss of genomic material from the short arm of chromosome 17 and a slightly smaller terminal deletion than seen in this patient (section 4C, 0.10 points). Probst et al. patient 4 was born with low birth weight, a tethered cord, a tracheoesophageal fistula, a cardiac VSD and PDA, and agenesis of the corpus callosum. DECIPHER and ClinVar contain 7 additional patients who have inherited a terminal deletion of 17q similar in size to the one seen here. The patients have a variety of clinical features, and no information is available about whether or not the carrier parent is healthy. The Database of Genomic Variants (DGV) includes one similar terminal deletion (nsv1067553, seen in 1 of 29,084 people). There are no similar deletions in gnomAD. Parental testing has not been done in this case (Section 5, 0 points).

Literature cited by the submitters: PubMed 21800092; PubMed 25424989; PubMed 30853971; PubMed 21934713; PubMed 31929334; PubMed 22678713.

GRCh38/hg38 17q25.3(chr17:82581070-83102004)x1

Genes: FOXK2 (forkhead box K2; plus strand), FOXK2-AS1 (FOXK2 antisense RNA 1; minus strand), FN3K (fructosamine 3 kinase; plus strand), FN3KRP (fructosamine 3 kinase related protein; plus strand), METRNL (meteorin like, glial cell differentiation regulator) and 36 more. Cytogenetic location: 17q25.3.
Variant type: copy number loss.
Change: copy number 1 (one copy instead of two) of chr17:82,581,070-83,102,004 (520.9 kb, GRCh38 coordinates, 1-based), cytogenetic band 17q25.3.
Identifiers: ClinVar variation 4755354 (VCV004755354.1).